The following is an entry in ClinVar:

NM_001369268.1(ACAN):c.1427G>C (p.Gly476Ala)

Gene: ACAN (aggrecan; plus strand). Cytogenetic location: 15q26.1.
Variant type: single nucleotide variant.
Coding change: c.1427G>C on transcript NM_001369268.1 (MANE Select); coding-DNA position 1427, G replaced by C.
Protein change: p.Gly476Ala; replaces glycine 476 with alanine.
Molecular consequence: missense variant.
Genome position (GRCh38, 1-based): chr15:88,845,880, G>C. VCF-style: chr15-88845880-G-C. GRCh37 (hg19) VCF-style: chr15-89389111-G-C.
Other names: c.1427G>C, p.Gly476Ala (NM_001135.4, NM_001411096.1, NM_001411097.1 and 1 more transcripts); short protein forms G476A.
Identifiers: ClinVar variation 2765480 (VCV002765480.3), dbSNP rs1160808564, ClinGen allele CA393710330.

ClinVar aggregate classification (germline): Uncertain significance (1 of 4 stars; one submission).

Submission:

Labcorp Genetics (formerly Invitae), Labcorp
Classification: Uncertain significance. Last evaluated: 2023-10-18. Review status: criteria provided, single submitter. Criteria: Invitae Variant Classification Sherloc (09022015). Collection method: clinical testing. Allele origin: germline.
Comment: This sequence change replaces glycine, which is neutral and non-polar, with alanine, which is neutral and non-polar, at codon 476 of the ACAN protein (p.Gly476Ala). This variant is not present in population databases (gnomAD no frequency). This variant has not been reported in the literature in individuals affected with ACAN-related conditions. Experimental studies and prediction algorithms are not available or were not evaluated, and the functional significance of this variant is currently unknown. In summary, the available evidence is currently insufficient to determine the role of this variant in disease. Therefore, it has been classified as a Variant of Uncertain Significance.